The following is an entry in ClinVar:

ClinVar aggregate classification (germline): Uncertain significance (1 of 4 stars; one submission).

Conditions:
Inborn genetic diseases. Identifiers: MedGen C0950123, MeSH D030342.

Submission:

Ambry Genetics
Classification: Uncertain significance for Inborn genetic diseases. Last evaluated: 2025-04-12. Review status: criteria provided, single submitter. Criteria: Ambry Variant Classification Scheme 2023. Collection method: clinical testing. Allele origin: germline.
Comment: The p.I219S variant (also known as c.656T>G), located in coding exon 4 of the KDM1A gene, results from a T to G substitution at nucleotide position 656. The isoleucine at codon 219 is replaced by serine, an amino acid with dissimilar properties. This amino acid position is conserved. In addition, the in silico prediction for this alteration is inconclusive. Based on the available evidence, the clinical significance of this variant remains unclear.

NM_001009999.3(KDM1A):c.656T>G (p.Ile219Ser)

Gene: KDM1A (lysine demethylase 1A; plus strand). Cytogenetic location: 1p36.12.
Variant type: single nucleotide variant.
Coding change: c.656T>G on transcript NM_001009999.3 (MANE Select); coding-DNA position 656, T replaced by G.
Protein change: p.Ile219Ser; replaces isoleucine 219 with serine.
Molecular consequence: missense variant.
Genome position (GRCh38, 1-based): chr1:23,050,465, T>G. VCF-style: chr1-23050465-T-G. GRCh37 (hg19) VCF-style: chr1-23376958-T-G.
Other names: c.596T>G, p.Ile199Ser (NM_001363654.2, NM_001410763.1, NM_015013.4); c.656T>G, p.Ile219Ser (NM_001410762.1); short protein forms I219S, I199S.
Identifiers: ClinVar variation 4042102 (VCV004042102.1).